The following is an entry in ClinVar:

ClinVar aggregate classification (germline): Uncertain significance (1 of 4 stars; one submission).

Conditions:
Osteogenesis imperfecta type 8 (OI8). Identifiers: MedGen C1970458, MONDO:0012581, OMIM 610915.

Allele frequency attached by ClinVar (database versions not stated): TOPMed 0.00002.

Submission:

Labcorp Genetics (formerly Invitae), Labcorp
Classification: Uncertain significance for Osteogenesis imperfecta type 8. Last evaluated: 2022-06-15. Review status: criteria provided, single submitter. Criteria: Invitae Variant Classification Sherloc (09022015). Collection method: clinical testing. Allele origin: germline.
Comment: This sequence change replaces alanine, which is neutral and non-polar, with threonine, which is neutral and polar, at codon 614 of the P3H1 protein (p.Ala614Thr). This variant is not present in population databases (gnomAD no frequency). This variant has not been reported in the literature in individuals affected with P3H1-related conditions. Algorithms developed to predict the effect of missense changes on protein structure and function are either unavailable or do not agree on the potential impact of this missense change (SIFT: "Deleterious"; PolyPhen-2: "Probably Damaging"; Align-GVGD: "Class C0"). In summary, the available evidence is currently insufficient to determine the role of this variant in disease. Therefore, it has been classified as a Variant of Uncertain Significance.

NM_022356.4(P3H1):c.1840G>A (p.Ala614Thr)

Gene: P3H1 (prolyl 3-hydroxylase 1; minus strand). Cytogenetic location: 1p34.2.
Variant type: single nucleotide variant.
Coding change: c.1840G>A on transcript NM_022356.4 (MANE Select); coding-DNA position 1840, G replaced by A.
Protein change: p.Ala614Thr; replaces alanine 614 with threonine.
Molecular consequence: missense variant.
Genome position (GRCh38, 1-based): chr1:42,747,797, C>T on the plus strand (G>A on the coding strand, the complement: P3H1 is on the minus strand). VCF-style: chr1-42747797-C-T. GRCh37 (hg19) VCF-style: chr1-43213468-C-T.
Other names: c.1840G>A, p.Ala614Thr (NM_001146289.2, NM_001243246.2); short protein forms A614T.
Identifiers: ClinVar variation 1356164 (VCV001356164.3), dbSNP rs868224632, ClinGen allele CA21241536.